The following is an entry in ClinVar:

NM_002582.4(PARN):c.382C>T (p.Arg128Ter)

Gene: PARN (poly(A)-specific ribonuclease; minus strand). Cytogenetic location: 16p13.12.
Variant type: single nucleotide variant.
Coding change: c.382C>T on transcript NM_002582.4 (MANE Select); coding-DNA position 382, C replaced by T.
Protein change: p.Arg128Ter; replaces arginine 128 with a stop codon.
Molecular consequence: nonsense.
Genome position (GRCh38, 1-based): chr16:14,617,596, G>A on the plus strand (C>T on the coding strand, the complement: PARN is on the minus strand). VCF-style: chr16-14617596-G-A. GRCh37 (hg19) VCF-style: chr16-14711453-G-A.
Other names: c.199C>T, p.Arg67Ter (NM_001134477.3); c.244C>T, p.Arg82Ter (NM_001242992.2); short protein forms R128*, R67*, R82*.
Identifiers: ClinVar variation 1452326 (VCV001452326.7), dbSNP rs1318821563, ClinGen allele CA394813087.

ClinVar aggregate classification (germline): Pathogenic/Likely pathogenic. Review status: criteria provided, multiple submitters, no conflicts (2 of 4 stars). 2 submissions from 2 submitters: Pathogenic (1); Likely pathogenic (1). Last evaluated 2025-07-23.

Conditions:
Dyskeratosis congenita, autosomal recessive 6 (DKCB6). Identifiers: MedGen C4225356, MONDO:0014600, OMIM 616353.
Pulmonary fibrosis and/or bone marrow failure, Telomere-related, 4. Also called: PULMONARY FIBROSIS AND/OR BONE MARROW FAILURE SYNDROME, TELOMERE-RELATED, 4. Identifiers: Orphanet 2032, MedGen C4225347, MONDO:0014612, OMIM 616371.
PARN-related disorder. Also called: PARN-related disorders; PARN-related condition.

Allele frequency attached by ClinVar (database versions not stated): gnomAD exomes below 0.00001 and 0.00002; TOPMed below 0.00001; gnomAD 0.00001.
gnomAD v4.1: 25 of 1,547,816 alleles (0.0016%); highest among the groups gnomAD compares: Non-Finnish European, 0.0021%; no homozygotes.

Submissions (2):

Labcorp Genetics (formerly Invitae), Labcorp
Classification: Pathogenic for Dyskeratosis congenita, autosomal recessive 6; Pulmonary fibrosis and/or bone marrow failure, Telomere-related, 4. Last evaluated: 2025-07-23. Review status: criteria provided, single submitter. Criteria: Invitae Variant Classification Sherloc (09022015). Collection method: clinical testing. Allele origin: germline.
Comment: This sequence change creates a premature translational stop signal (p.Arg128*) in the PARN gene. It is expected to result in an absent or disrupted protein product. Loss-of-function variants in PARN are known to be pathogenic (PMID: 9736620, 25848748, 26810774). This variant is present in population databases (no rsID available, gnomAD 0.0009%). This variant has not been reported in the literature in individuals affected with PARN-related conditions. ClinVar contains an entry for this variant (Variation ID: 1452326). Algorithms developed to predict the effect of sequence changes on RNA splicing suggest that this variant may disrupt the consensus splice site. For these reasons, this variant has been classified as Pathogenic.

Blueprint Genetics
Classification: Likely pathogenic for PARN-related disorders. Last evaluated: 2022-01-07. Review status: criteria provided, single submitter. Criteria: ACMG Guidelines, 2015. Collection method: clinical testing. Allele origin: germline. Affected: yes. Observed: 2 variant alleles.

Literature cited by the submitters: PubMed 9736620 (cited by Labcorp Genetics (formerly Invitae), Labcorp); PubMed 25848748 (cited by Labcorp Genetics (formerly Invitae), Labcorp); PubMed 26810774 (cited by Labcorp Genetics (formerly Invitae), Labcorp).